The following is an entry in ClinVar:

NM_003906.5(MCM3AP):c.457G>T (p.Val153Leu)

Gene: MCM3AP (minichromosome maintenance complex component 3 associated protein; minus strand). Cytogenetic location: 21q22.3.
Variant type: single nucleotide variant.
Coding change: c.457G>T on transcript NM_003906.5 (MANE Select); coding-DNA position 457, G replaced by T.
Protein change: p.Val153Leu; replaces valine 153 with leucine.
Molecular consequence: missense variant.
Genome position (GRCh38, 1-based): chr21:46,284,830, C>A on the plus strand (G>T on the coding strand, the complement: MCM3AP is on the minus strand). VCF-style: chr21-46284830-C-A. GRCh37 (hg19) VCF-style: chr21-47704744-C-A.
Other names: p.Val153Leu; c.457G>T (NM_003906.3); short protein forms V153L.
Identifiers: ClinVar variation 1930392 (VCV001930392.7), dbSNP rs367974451, ClinGen allele CA10077338.
Genomic context (GRCh38, chr21:46,284,830, plus strand): 5'-AAGCAATTTGGCTCTGGGTTTTCTCTGGCTCAGATTCAGCCCCCAGTATTGGTTTGAACA[C>A]TGCATTTTCCAGAGGTTTAAAGCTGAATTCTGTTTTCCCAAAACCAGAGTTCACTATTTC-3'
Protein context (NP_003897.2, residues 143-163): EFSFKPLENA[Val153Leu]FKPILGAESE

ClinVar aggregate classification (germline): Uncertain significance. Review status: criteria provided, multiple submitters, no conflicts (2 of 4 stars). 3 submissions from 3 submitters: Uncertain significance (3). Last evaluated 2025-06-08.

Conditions:
Inborn genetic diseases. Identifiers: MedGen C0950123, MeSH D030342.

Allele frequency attached by ClinVar (database versions not stated): ESP Exome Variant Server 0.00008.
gnomAD v4.1: 15 of 1,613,974 alleles (0.00093%); highest among the groups gnomAD compares: Admixed American, 0.0017%; no homozygotes.

Submissions (3):

Mayo Clinic Laboratories, Mayo Clinic
Classification: Uncertain significance. Last evaluated: 2025-06-08. Review status: criteria provided, single submitter. Criteria: ACMG Guidelines, 2015. Collection method: clinical testing. Allele origin: germline. Observed: 1 variant allele.
Comment: BP4_moderate, PM2_supporting

Ambry Genetics
Classification: Uncertain significance for Inborn genetic diseases. Last evaluated: 2025-01-01. Review status: criteria provided, single submitter. Criteria: Ambry Variant Classification Scheme 2023. Collection method: clinical testing. Allele origin: germline.

Labcorp Genetics (formerly Invitae), Labcorp
Classification: Uncertain significance. Last evaluated: 2022-09-01. Review status: criteria provided, single submitter. Criteria: Invitae Variant Classification Sherloc (09022015). Collection method: clinical testing. Allele origin: germline.
Comment: Algorithms developed to predict the effect of missense changes on protein structure and function output the following: SIFT: "Tolerated"; PolyPhen-2: "Benign"; Align-GVGD: "Class C0". The leucine amino acid residue is found in multiple mammalian species, which suggests that this missense change does not adversely affect protein function. This sequence change replaces valine, which is neutral and non-polar, with leucine, which is neutral and non-polar, at codon 153 of the MCM3AP protein (p.Val153Leu). This variant is present in population databases (rs367974451, gnomAD 0.004%). This variant has not been reported in the literature in individuals affected with MCM3AP-related conditions. In summary, the available evidence is currently insufficient to determine the role of this variant in disease. Therefore, it has been classified as a Variant of Uncertain Significance.